The following is an entry in ClinVar:

NM_001430.5(EPAS1):c.1781G>A (p.Ser594Asn)

Gene: EPAS1 (endothelial PAS domain protein 1; plus strand). Cytogenetic location: 2p21.
Variant type: single nucleotide variant.
Coding change: c.1781G>A on transcript NM_001430.5 (MANE Select); coding-DNA position 1781, G replaced by A.
Protein change: p.Ser594Asn; replaces serine 594 with asparagine.
Molecular consequence: missense variant.
Genome position (GRCh38, 1-based): chr2:46,380,453, G>A. VCF-style: chr2-46380453-G-A. GRCh37 (hg19) VCF-style: chr2-46607592-G-A.
Other names: short protein forms S594N.
Identifiers: ClinVar variation 2456706 (VCV002456706.2), dbSNP rs780663606, ClinGen allele CA1645106.

ClinVar aggregate classification (germline): Uncertain significance (1 of 4 stars; one submission).

Conditions:
Inborn genetic diseases. Identifiers: MedGen C0950123, MeSH D030342.

Allele frequency attached by ClinVar (database versions not stated): gnomAD exomes below 0.00001; TOPMed below 0.00001; ExAC 0.00001; gnomAD 0.00001.
gnomAD v4.1: 3 of 1,614,052 alleles (0.00019%); highest among the groups gnomAD compares: African/African-American, 0.0027%; no homozygotes.

Submission:

Ambry Genetics
Classification: Uncertain significance for Inborn genetic diseases. Last evaluated: 2022-12-24. Review status: criteria provided, single submitter. Criteria: Ambry Variant Classification Scheme 2023. Collection method: clinical testing. Allele origin: germline.
Comment: The p.S594N variant (also known as c.1781G>A), located in coding exon 12 of the EPAS1 gene, results from a G to A substitution at nucleotide position 1781. The serine at codon 594 is replaced by asparagine, an amino acid with highly similar properties. This amino acid position is conserved. In addition, this alteration is predicted to be tolerated by in silico analysis. Since supporting evidence is limited at this time, the clinical significance of this alteration remains unclear.